The following is an entry in ClinVar:

NM_000465.4(BARD1):c.1402G>T (p.Ala468Ser)

Gene: BARD1 (BRCA1 associated RING domain 1; minus strand). Cytogenetic location: 2q35.
Variant type: single nucleotide variant.
Coding change: c.1402G>T on transcript NM_000465.4 (MANE Select); coding-DNA position 1402, G replaced by T.
Protein change: p.Ala468Ser; replaces alanine 468 with serine.
Molecular consequence: missense variant. On other transcripts: non-coding transcript variant (3), intron variant (3).
Genome position (GRCh38, 1-based): chr2:214,767,648, C>A on the plus strand (G>T on the coding strand, the complement: BARD1 is on the minus strand). VCF-style: chr2-214767648-C-A. GRCh37 (hg19) VCF-style: chr2-215632372-C-A.
Other names: c.1345G>T, p.Ala449Ser (NM_001282543.2); c.159-15093G>T (NM_001282548.2); c.216-15093G>T (NM_001282545.2); c.364+24649G>T (NM_001282549.2); short protein forms A449S, A468S.
Identifiers: ClinVar variation 819095 (VCV000819095.13), dbSNP rs1574789137, ClinGen allele CA350448862.

ClinVar aggregate classification (germline): Uncertain significance. Review status: criteria provided, multiple submitters, no conflicts (2 of 4 stars). 2 submissions from 2 submitters: Uncertain significance (2). Last evaluated 2025-09-04.

Conditions:
Hereditary cancer-predisposing syndrome. Also called: Tumor predisposition; Hereditary neoplastic syndrome; Neoplastic Syndromes, Hereditary; Hereditary Cancer Syndrome. Identifiers: Orphanet 140162, MedGen C0027672, MeSH D009386, MONDO:0015356.
Familial cancer of breast. Also called: hereditary breast carcinoma; Hereditary breast cancer; BREAST CANCER, FAMILIAL. Identifiers: Orphanet 227535, MedGen C0346153, MONDO:0016419, OMIM 114480. Disease mechanism: loss of function.

Submissions (2):

Labcorp Genetics (formerly Invitae), Labcorp
Classification: Uncertain significance for Familial cancer of breast. Last evaluated: 2025-09-04. Review status: criteria provided, single submitter. Criteria: Invitae Variant Classification Sherloc (09022015). Collection method: clinical testing. Allele origin: germline.
Comment: This sequence change replaces alanine, which is neutral and non-polar, with serine, which is neutral and polar, at codon 468 of the BARD1 protein (p.Ala468Ser). This variant is not present in population databases (gnomAD no frequency). This variant has not been reported in the literature in individuals affected with BARD1-related conditions. ClinVar contains an entry for this variant (Variation ID: 819095). An algorithm developed to predict the effect of missense changes on protein structure and function (PolyPhen-2) suggests that this variant is likely to be disruptive. In summary, the available evidence is currently insufficient to determine the role of this variant in disease. Therefore, it has been classified as a Variant of Uncertain Significance.

Ambry Genetics
Classification: Uncertain significance for Hereditary cancer-predisposing syndrome. Last evaluated: 2021-05-25. Review status: criteria provided, single submitter. Criteria: Ambry Variant Classification Scheme 2023. Collection method: clinical testing. Allele origin: germline.
Comment: The p.A468S variant (also known as c.1402G>T), located in coding exon 6 of the BARD1 gene, results from a G to T substitution at nucleotide position 1402. The alanine at codon 468 is replaced by serine, an amino acid with similar properties. This amino acid position is highly conserved in available vertebrate species. In addition, this alteration is predicted to be deleterious by in silico analysis. Since supporting evidence is limited at this time, the clinical significance of this alteration remains unclear.